The following is an entry in ClinVar:

NM_000283.4(PDE6B):c.1509A>C (p.Glu503Asp)

Gene: PDE6B (phosphodiesterase 6B; plus strand). Cytogenetic location: 4p16.3.
Variant type: single nucleotide variant.
Coding change: c.1509A>C on transcript NM_000283.4 (MANE Select); coding-DNA position 1509, A replaced by C.
Protein change: p.Glu503Asp; replaces glutamic acid 503 with aspartic acid.
Molecular consequence: missense variant.
Genome position (GRCh38, 1-based): chr4:660,508, A>C. VCF-style: chr4-660508-A-C. GRCh37 (hg19) VCF-style: chr4-654297-A-C.
Other names: c.1509A>C, p.Glu503Asp (NM_001145291.2); c.672A>C, p.Glu224Asp (NM_001145292.2, NM_001350154.3, NM_001379246.1 and 1 more transcripts); c.354A>C, p.Glu118Asp (NM_001350155.3); short protein forms E118D, E224D, E503D.
Identifiers: ClinVar variation 1010001 (VCV001010001.8), dbSNP rs1270538372, ClinGen allele CA355915892.

ClinVar aggregate classification (germline): Uncertain significance (1 of 4 stars; one submission).

Allele frequency attached by ClinVar (database versions not stated): gnomAD exomes below 0.00001; gnomAD 0.00001 and 0.00002; TOPMed 0.00002.
gnomAD v4.1: 6 of 1,613,742 alleles (0.00037%); highest among the groups gnomAD compares: African/African-American, 0.0067%; no homozygotes.

Submission:

Labcorp Genetics (formerly Invitae), Labcorp
Classification: Uncertain significance. Last evaluated: 2024-01-15. Review status: criteria provided, single submitter. Criteria: Invitae Variant Classification Sherloc (09022015). Collection method: clinical testing. Allele origin: germline.
Comment: This sequence change replaces glutamic acid, which is acidic and polar, with aspartic acid, which is acidic and polar, at codon 503 of the PDE6B protein (p.Glu503Asp). This variant is present in population databases (no rsID available, gnomAD 0.008%). This variant has not been reported in the literature in individuals affected with PDE6B-related conditions. ClinVar contains an entry for this variant (Variation ID: 1010001). Advanced modeling of protein sequence and biophysical properties (such as structural, functional, and spatial information, amino acid conservation, physicochemical variation, residue mobility, and thermodynamic stability) performed at Invitae indicates that this missense variant is not expected to disrupt PDE6B protein function with a negative predictive value of 95%. In summary, the available evidence is currently insufficient to determine the role of this variant in disease. Therefore, it has been classified as a Variant of Uncertain Significance.